The following is an entry in ClinVar:

ClinVar aggregate classification (germline): Uncertain significance (1 of 4 stars; one submission).

Submission:

Labcorp Genetics (formerly Invitae), Labcorp
Classification: Uncertain significance. Last evaluated: 2025-05-21. Review status: criteria provided, single submitter. Criteria: Invitae Variant Classification Sherloc (09022015). Collection method: clinical testing. Allele origin: germline.
Comment: This variant, c.176_178dup, results in the insertion of 1 amino acid(s) of the ABCB6 protein (p.Ala59dup), but otherwise preserves the integrity of the reading frame. This variant is not present in population databases (gnomAD no frequency). This variant has not been reported in the literature in individuals affected with ABCB6-related conditions. In summary, the available evidence is currently insufficient to determine the role of this variant in disease. Therefore, it has been classified as a Variant of Uncertain Significance.

NM_005689.4(ABCB6):c.176_178dup (p.Ala59_Asp60insAla)

Gene: ABCB6 (ATP binding cassette subfamily B member 6 (LAN blood group); minus strand). Cytogenetic location: 2q35.
Variant type: Duplication.
Coding change: c.176_178dup on transcript NM_005689.4 (MANE Select); coding-DNA positions 176 to 178, 3 bases duplicated (CTG; older notation c.176_178dupCTG).
Protein change: p.Ala59_Asp60insAla.
Molecular consequence: inframe insertion.
Genome position (GRCh38, 1-based): chr2:219,218,496-219,218,498, CAG duplicated on the plus strand (CTG on the coding strand, the reverse complement: ABCB6 is on the minus strand); duplicating any 3 consecutive bases within chr2:219,218,496-219,218,500 gives the same sequence; the c. name uses the placement nearest the transcript's 3' end. VCF-style (leftmost placement, unchanged base first): chr2-219218495-T-TCAG. GRCh37 (hg19) VCF-style: chr2-220083217-T-TCAG.
Other names: c.176_178dup, p.Ala59_Asp60insAla (NM_001349828.2).
Identifiers: ClinVar variation 4694641 (VCV004694641.1).